The following is an entry in ClinVar:

NM_001127.4(AP1B1):c.261C>T (p.Ala87=)

Gene: AP1B1 (adaptor related protein complex 1 subunit beta 1; minus strand). Cytogenetic location: 22q12.2.
Variant type: single nucleotide variant.
Coding change: c.261C>T on transcript NM_001127.4 (MANE Select); coding-DNA position 261, C replaced by T.
Protein change: p.Ala87=; no amino-acid change (alanine 87 retained).
Molecular consequence: synonymous variant.
Genome position (GRCh38, 1-based): chr22:29,359,842, G>A on the plus strand (C>T on the coding strand, the complement: AP1B1 is on the minus strand). VCF-style: chr22-29359842-G-A. GRCh37 (hg19) VCF-style: chr22-29755831-G-A.
Other names: c.261C>T, p.Ala87= (NM_001166019.2, NM_001378562.1, NM_001378563.1 and 2 more transcripts); c.90C>T, p.Ala30= (NM_001378564.1, NM_001378565.1).
Identifiers: ClinVar variation 3047984 (VCV003047984.2), dbSNP rs143484030, ClinGen allele CA10173526.

ClinVar aggregate classification (germline): Likely benign (0 of 4 stars; one submission).

Conditions:
AP1B1-related disorder. Also called: AP1B1-related condition.

Allele frequency attached by ClinVar (database versions not stated): ESP Exome Variant Server 0.00085.
gnomAD v4.1: 1,023 of 1,613,616 alleles (0.063%); highest among the groups gnomAD compares: Non-Finnish European, 0.08%; 1 homozygote.

Submission:

PreventionGenetics, part of Exact Sciences
Classification: Likely benign for AP1B1-related condition. Last evaluated: 2023-11-07. Review status: no assertion criteria provided. Collection method: clinical testing. Allele origin: germline.
Comment: This variant is classified as likely benign based on ACMG/AMP sequence variant interpretation guidelines (Richards et al. 2015 PMID: 25741868, with internal and published modifications).